The following is an entry in ClinVar:

NM_198904.4(GABRG2):c.872G>C (p.Trp291Ser)

Gene: GABRG2 (gamma-aminobutyric acid type A receptor subunit gamma2; plus strand). Cytogenetic location: 5q34.
Variant type: single nucleotide variant.
Coding change: c.872G>C on transcript NM_198904.4 (MANE Select); coding-DNA position 872, G replaced by C.
Protein change: p.Trp291Ser; replaces tryptophan 291 with serine.
Molecular consequence: missense variant.
Genome position (GRCh38, 1-based): chr5:162,142,266, G>C. VCF-style: chr5-162142266-G-C. GRCh37 (hg19) VCF-style: chr5-161569272-G-C.
Other names: c.872G>C, p.Trp291Ser (NM_000816.3, NM_001375340.1); c.863G>C, p.Trp288Ser (NM_001375339.1); c.869G>C, p.Trp290Ser (NM_001375341.1, NM_001375342.1); c.992G>C, p.Trp331Ser (NM_001375343.1, NM_198903.2); c.911G>C, p.Trp304Ser (NM_001375344.1); c.806G>C, p.Trp269Ser (NM_001375345.1, NM_001375346.1); c.785G>C, p.Trp262Ser (NM_001375347.1); c.452G>C, p.Trp151Ser (NM_001375348.1, NM_001375350.1); and 1 more; short protein forms W151S, W196S, W262S, W269S, W288S, W290S, W291S, W304S.
Identifiers: ClinVar variation 1010506 (VCV001010506.11), dbSNP rs1764625911, ClinGen allele CA362182168.

ClinVar aggregate classification (germline): Uncertain significance (1 of 4 stars; one submission).

Conditions:
EPILEPSY, CHILDHOOD ABSENCE, SUSCEPTIBILITY TO, 2 (ECA2). Identifiers: Orphanet 64280, MedGen C1843244, OMIM 607681.
Febrile seizures, familial, 8 (FEB8). Also called: CONVULSIONS, FAMILIAL FEBRILE, 8. Identifiers: Orphanet 36387, MedGen C1969810, MONDO:0011891, OMIM 607681.

Submission:

Labcorp Genetics (formerly Invitae), Labcorp
Classification: Uncertain significance for Febrile seizures, familial, 8; EPILEPSY, CHILDHOOD ABSENCE, SUSCEPTIBILITY TO, 2. Last evaluated: 2022-08-09. Review status: criteria provided, single submitter. Criteria: Invitae Variant Classification Sherloc (09022015). Collection method: clinical testing. Allele origin: germline.
Comment: In summary, the available evidence is currently insufficient to determine the role of this variant in disease. Therefore, it has been classified as a Variant of Uncertain Significance. Advanced modeling of protein sequence and biophysical properties (such as structural, functional, and spatial information, amino acid conservation, physicochemical variation, residue mobility, and thermodynamic stability) performed at Invitae indicates that this missense variant is expected to disrupt GABRG2 protein function. ClinVar contains an entry for this variant (Variation ID: 1010506). This variant has not been reported in the literature in individuals affected with GABRG2-related conditions. This variant is not present in population databases (gnomAD no frequency). This sequence change replaces tryptophan, which is neutral and slightly polar, with serine, which is neutral and polar, at codon 291 of the GABRG2 protein (p.Trp291Ser).